The following is an entry in ClinVar:

NM_032382.5(COG8):c.164G>C (p.Gly55Ala)

Gene: COG8 (component of oligomeric golgi complex 8; minus strand). Cytogenetic location: 16q22.1.
Variant type: single nucleotide variant.
Coding change: c.164G>C on transcript NM_032382.5 (MANE Select); coding-DNA position 164, G replaced by C.
Protein change: p.Gly55Ala; replaces glycine 55 with alanine.
Molecular consequence: missense variant.
Genome position (GRCh38, 1-based): chr16:69,339,389, C>G on the plus strand (G>C on the coding strand, the complement: COG8 is on the minus strand). VCF-style: chr16-69339389-C-G. GRCh37 (hg19) VCF-style: chr16-69373292-C-G.
Other names: c.164G>C, p.Gly55Ala (NM_001374871.1, NM_001379261.1, NM_001379262.1 and 4 more transcripts); short protein forms G55A.
Identifiers: ClinVar variation 2037811 (VCV002037811.3), dbSNP rs2012406050, ClinGen allele CA396492067.

ClinVar aggregate classification (germline): Uncertain significance (1 of 4 stars; one submission).

Conditions:
COG8-congenital disorder of glycosylation. Also called: COG8-CDG; CDG IIh. Identifiers: Orphanet 95428, MedGen C1970021, MONDO:0012635, OMIM 611182.

Allele frequency attached by ClinVar (database versions not stated): TOPMed below 0.00001; gnomAD 0.00001.
gnomAD v4.1: 2 of 1,584,960 alleles (0.00013%); highest among the groups gnomAD compares: Admixed American, 0.0035%; no homozygotes.

Submission:

Labcorp Genetics (formerly Invitae), Labcorp
Classification: Uncertain significance for COG8-congenital disorder of glycosylation. Last evaluated: 2025-06-09. Review status: criteria provided, single submitter. Criteria: Invitae Variant Classification Sherloc (09022015). Collection method: clinical testing. Allele origin: germline.
Comment: This sequence change replaces glycine, which is neutral and non-polar, with alanine, which is neutral and non-polar, at codon 55 of the COG8 protein (p.Gly55Ala). This variant is not present in population databases (gnomAD no frequency). This variant has not been reported in the literature in individuals affected with COG8-related conditions. ClinVar contains an entry for this variant (Variation ID: 2037811). Invitae Evidence Modeling of protein sequence and biophysical properties (such as structural, functional, and spatial information, amino acid conservation, physicochemical variation, residue mobility, and thermodynamic stability) indicates that this missense variant is not expected to disrupt COG8 protein function with a negative predictive value of 80%. In summary, the available evidence is currently insufficient to determine the role of this variant in disease. Therefore, it has been classified as a Variant of Uncertain Significance.